The following is an entry in ClinVar:

ClinVar aggregate classification (germline): Uncertain significance. Review status: criteria provided, multiple submitters, no conflicts (2 of 4 stars). 3 submissions from 3 submitters: Uncertain significance (3). Last evaluated 2024-11-25.

Conditions:
Purine-nucleoside phosphorylase deficiency. Also called: Immunodeficiency due to purine nucleoside phosphorylase deficiency; NUCLEOSIDE PHOSPHORYLASE DEFICIENCY. Identifiers: Orphanet 760, MedGen C0268125, MONDO:0013171, OMIM 613179.

Allele frequency attached by ClinVar (database versions not stated): TOPMed 0.00005; gnomAD 0.00008 and 0.00014; gnomAD exomes 0.00013 and 0.00023; ExAC 0.00023; 1000 Genomes Project 30x 0.00031; 1000 Genomes Project 0.00040.
gnomAD v4.1: 215 of 1,613,582 alleles (0.013%); highest among the groups gnomAD compares: South Asian, 0.17%; 3 homozygotes.

Submissions (3):

Blueprint Genetics
Classification: Uncertain significance. Last evaluated: 2024-11-25. Review status: criteria provided, single submitter. Criteria: ACMG Guidelines, 2015. Collection method: clinical testing. Allele origin: germline.

Labcorp Genetics (formerly Invitae), Labcorp
Classification: Uncertain significance for Purine-nucleoside phosphorylase deficiency. Last evaluated: 2022-10-25. Review status: criteria provided, single submitter. Criteria: Invitae Variant Classification Sherloc (09022015). Collection method: clinical testing. Allele origin: germline.
Comment: This sequence change replaces arginine, which is basic and polar, with histidine, which is basic and polar, at codon 207 of the PNP protein (p.Arg207His). This variant is present in population databases (rs201501535, gnomAD 0.2%). This variant has not been reported in the literature in individuals affected with PNP-related conditions. ClinVar contains an entry for this variant (Variation ID: 312733). Advanced modeling of protein sequence and biophysical properties (such as structural, functional, and spatial information, amino acid conservation, physicochemical variation, residue mobility, and thermodynamic stability) performed at Invitae indicates that this missense variant is not expected to disrupt PNP protein function. In summary, the available evidence is currently insufficient to determine the role of this variant in disease. Therefore, it has been classified as a Variant of Uncertain Significance.

Illumina Laboratory Services, Illumina
Classification: Uncertain significance for Purine-nucleoside phosphorylase deficiency. Last evaluated: 2018-01-12. Review status: criteria provided, single submitter. Criteria: ICSL Variant Classification Criteria 13 December 2019. Collection method: clinical testing. Allele origin: germline.

NM_000270.4(PNP):c.620G>A (p.Arg207His)

Gene: PNP (purine nucleoside phosphorylase; plus strand). Cytogenetic location: 14q11.2.
Variant type: single nucleotide variant.
Coding change: c.620G>A on transcript NM_000270.4 (MANE Select); coding-DNA position 620, G replaced by A.
Protein change: p.Arg207His; replaces arginine 207 with histidine.
Molecular consequence: missense variant.
Genome position (GRCh38, 1-based): chr14:20,475,220, G>A. VCF-style: chr14-20475220-G-A. GRCh37 (hg19) VCF-style: chr14-20943379-G-A.
Other names: short protein forms R207H.
Identifiers: ClinVar variation 312733 (VCV000312733.10), dbSNP rs201501535, ClinGen allele CA7082176.